The following is an entry in ClinVar:

NM_017636.4(TRPM4):c.2761G>A (p.Val921Ile)

Gene: TRPM4 (transient receptor potential cation channel subfamily M member 4; plus strand). Cytogenetic location: 19q13.33.
Variant type: single nucleotide variant.
Coding change: c.2761G>A on transcript NM_017636.4 (MANE Select); coding-DNA position 2761, G replaced by A.
Protein change: p.Val921Ile; replaces valine 921 with isoleucine.
Molecular consequence: missense variant.
Genome position (GRCh38, 1-based): chr19:49,200,415, G>A. VCF-style: chr19-49200415-G-A. GRCh37 (hg19) VCF-style: chr19-49703672-G-A.
Other names: c.2326G>A, p.Val776Ile (NM_001195227.2); c.2416G>A, p.Val806Ile (NM_001321281.2); c.1153G>A, p.Val385Ile (NM_001321282.2); c.2239G>A, p.Val747Ile (NM_001321283.2); c.1699G>A, p.Val567Ile (NM_001321285.2); short protein forms V385I, V747I, V567I, V776I, V806I, V921I.
Identifiers: ClinVar variation 657705 (VCV000657705.36), dbSNP rs377359117, ClinGen allele CA9569638.

ClinVar aggregate classification (germline): Conflicting classifications of pathogenicity. Review status: criteria provided, conflicting classifications (1 of 4 stars). 5 submissions from 5 submitters: Uncertain significance (2); Likely benign (3). Last evaluated 2025-11-17.

Conditions:
Progressive familial heart block type IB (PFHB1B). Identifiers: Orphanet 871, MedGen C1970298, MONDO:0011474, OMIM 604559.
Cardiovascular phenotype. Identifiers: MedGen CN230736.

Allele frequency attached by ClinVar (database versions not stated): gnomAD 0.00007 and 0.00009; ESP Exome Variant Server 0.00008; TOPMed 0.00010; 1000 Genomes Project 0.00020; 1000 Genomes Project 30x 0.00031.
gnomAD v4.1: 101 of 1,605,856 alleles (0.0063%); highest among the groups gnomAD compares: Middle Eastern, 0.13%; 1 homozygote.

Submissions (5):

Labcorp Genetics (formerly Invitae), Labcorp
Classification: Uncertain significance for Progressive familial heart block type IB. Last evaluated: 2025-11-17. Review status: criteria provided, single submitter. Criteria: Invitae Variant Classification Sherloc (09022015). Collection method: clinical testing. Allele origin: germline.
Comment: This sequence change replaces valine, which is neutral and non-polar, with isoleucine, which is neutral and non-polar, at codon 921 of the TRPM4 protein (p.Val921Ile). This variant is present in population databases (rs377359117, gnomAD 0.02%). This missense change has been observed in individual(s) with atrioventricular block (PMID: 27207958). ClinVar contains an entry for this variant (Variation ID: 657705). An algorithm developed to predict the effect of missense changes on protein structure and function (PolyPhen-2) suggests that this variant is likely to be tolerated. Experimental studies have shown that this missense change does not substantially affect TRPM4 function (PMID: 27207958). In summary, the available evidence is currently insufficient to determine the role of this variant in disease. Therefore, it has been classified as a Variant of Uncertain Significance.

Ambry Genetics
Classification: Uncertain significance for Cardiovascular phenotype. Last evaluated: 2025-08-01. Review status: criteria provided, single submitter. Criteria: Ambry Variant Classification Scheme 2023. Collection method: clinical testing. Allele origin: germline.

Molecular Diagnostic Laboratory for Inherited Cardiovascular Disease, Montreal Heart Institute
Classification: Likely benign. Last evaluated: 2025-04-09. Review status: criteria provided, single submitter. Criteria: ACMG Guidelines, 2015. Collection method: clinical testing. Allele origin: germline. Affected: no.
Comment: BS1, BS3_supp, BP4

CeGaT Center for Human Genetics Tuebingen
Classification: Likely benign. Last evaluated: 2024-04-01. Review status: criteria provided, single submitter. Criteria: CeGaT Center For Human Genetics Tuebingen Variant Classification Criteria Version 2. Collection method: clinical testing. Allele origin: germline. Affected: yes. Observed: 1 variant allele.
Comment: TRPM4: BP4

GeneDx
Classification: Likely benign. Last evaluated: 2020-07-10. Review status: criteria provided, single submitter. Criteria: GeneDx Variant Classification Process June 2021. Collection method: clinical testing. Allele origin: germline. Affected: yes.
Comment: This variant is associated with the following publications: (PMID: 29165759, 27207958)

Literature cited by the submitters: PubMed 27207958 (cited by Labcorp Genetics (formerly Invitae), Labcorp).